The following is an entry in ClinVar:

ClinVar aggregate classification (germline): Uncertain significance. Review status: criteria provided, multiple submitters, no conflicts (2 of 4 stars). 2 submissions from 2 submitters: Uncertain significance (2). Last evaluated 2024-06-10.

Conditions:
Developmental and epileptic encephalopathy, 17 (DEE17). Also called: Early infantile epileptic encephalopathy 17. Identifiers: Orphanet 1934, MedGen C3809606, MONDO:0014199, OMIM 615473.
Neurodevelopmental disorder with involuntary movements (NEDIM). Identifiers: Orphanet 592564, MedGen C4479569, MONDO:0060491, OMIM 617493.

gnomAD v4.1: 1 of 1,613,928 alleles (0.000062%); highest among the groups gnomAD compares: East Asian, 0.0022%; no homozygotes.

Submissions (2):

GeneDx
Classification: Uncertain significance. Last evaluated: 2024-06-10. Review status: criteria provided, single submitter. Criteria: GeneDx Variant Classification Process June 2021. Collection method: clinical testing. Allele origin: germline. Affected: yes.
Comment: Not observed at significant frequency in large population cohorts (gnomAD); In silico analysis supports that this missense variant has a deleterious effect on protein structure/function; Has not been previously published as pathogenic or benign to our knowledge

Juno Genomics, Hangzhou Juno Genomics, Inc
Classification: Uncertain significance for Developmental and epileptic encephalopathy, 17; Neurodevelopmental disorder with involuntary movements. Review status: criteria provided, single submitter. Criteria: ACMG Guidelines, 2015. Collection method: clinical testing. Allele origin: germline.
Comment: Absent from controls (or at extremely low frequency if recessive) in Genome Aggregation Database.;Missense variant in a gene that has a low rate of benign missense variation.;Multiple lines of computational evidence support a deleterious effect on the gene or gene product.

NM_020988.3(GNAO1):c.263T>C (p.Met88Thr)

Gene: GNAO1 (G protein subunit alpha o1; plus strand). Cytogenetic location: 16q13.
Variant type: single nucleotide variant.
Coding change: c.263T>C on transcript NM_020988.3 (MANE Select); coding-DNA position 263, T replaced by C.
Protein change: p.Met88Thr; replaces methionine 88 with threonine.
Molecular consequence: missense variant.
Genome position (GRCh38, 1-based): chr16:56,276,032, T>C. VCF-style: chr16-56276032-T-C. GRCh37 (hg19) VCF-style: chr16-56309944-T-C.
Other names: c.263T>C, p.Met88Thr (NM_138736.3); short protein forms M88T.
Identifiers: ClinVar variation 3390415 (VCV003390415.3).